The following is an entry in ClinVar:

NM_000379.4(XDH):c.482G>A (p.Arg161Gln)

Gene: XDH (xanthine dehydrogenase; minus strand). Cytogenetic location: 2p23.1.
Variant type: single nucleotide variant.
Coding change: c.482G>A on transcript NM_000379.4 (MANE Select); coding-DNA position 482, G replaced by A.
Protein change: p.Arg161Gln; replaces arginine 161 with glutamine.
Molecular consequence: missense variant.
Genome position (GRCh38, 1-based): chr2:31,397,681, C>T on the plus strand (G>A on the coding strand, the complement: XDH is on the minus strand). VCF-style: chr2-31397681-C-T. GRCh37 (hg19) VCF-style: chr2-31620547-C-T.
Other names: short protein forms R161Q.
Identifiers: ClinVar variation 1377991 (VCV001377991.7), dbSNP rs200810102, ClinGen allele CA1599620.
Genomic context (GRCh38, chr2:31,397,681, plus strand): 5'-TGCCATTTTAGAAGCAGAGACACTGATGTTCTGGGGTCCCCACTTACCCTGGCAAAGGTC[C>T]GGAAGCCCTGGAGGATGGGTCTGTAGCCTGTGCAGCGGCACAGATTTCCTGTGGGCCAAG-3'
Protein context (NP_000370.2, residues 151-171): TGYRPILQGF[Arg161Gln]TFARDGGCCG

ClinVar aggregate classification (germline): Uncertain significance. Review status: criteria provided, multiple submitters, no conflicts (2 of 4 stars). 3 submissions from 3 submitters: Uncertain significance (3). Last evaluated 2024-10-29.

Conditions:
Xanthinuria type II. Also called: Xanthine dehydrogenase and aldehyde oxidase combined deficiency of; XDH and AOX dual deficiency. Identifiers: Orphanet 3467, Orphanet 93602, MedGen C1863688, MONDO:0011346, OMIM 603592.
Hereditary xanthinuria type 1 (XAN1). Identifiers: Orphanet 3467, Orphanet 93601, MedGen C0268118, MONDO:0010209, OMIM 278300.

Allele frequency attached by ClinVar (database versions not stated): gnomAD exomes 0.00004 and 0.00006; ExAC 0.00006; ESP Exome Variant Server 0.00008; gnomAD 0.00009; TOPMed 0.00019.
gnomAD v4.1: 99 of 1,614,038 alleles (0.0061%); highest among the groups gnomAD compares: Admixed American, 0.025%; no homozygotes.

Submissions (3):

Labcorp Genetics (formerly Invitae), Labcorp
Classification: Uncertain significance for Xanthinuria type II. Last evaluated: 2024-10-29. Review status: criteria provided, single submitter. Criteria: Invitae Variant Classification Sherloc (09022015). Collection method: clinical testing. Allele origin: germline.
Comment: This sequence change replaces arginine, which is basic and polar, with glutamine, which is neutral and polar, at codon 161 of the XDH protein (p.Arg161Gln). This variant is present in population databases (rs200810102, gnomAD 0.009%). This variant has not been reported in the literature in individuals affected with XDH-related conditions. ClinVar contains an entry for this variant (Variation ID: 1377991). An algorithm developed to predict the effect of missense changes on protein structure and function (PolyPhen-2) suggests that this variant is likely to be disruptive. In summary, the available evidence is currently insufficient to determine the role of this variant in disease. Therefore, it has been classified as a Variant of Uncertain Significance.

Fulgent Genetics
Classification: Uncertain significance for Hereditary xanthinuria type 1. Last evaluated: 2024-01-13. Review status: criteria provided, single submitter. Criteria: ACMG Guidelines, 2015. Collection method: clinical testing. Allele origin: germline.

Breakthrough Genomics
Classification: Uncertain significance. Review status: criteria provided, single submitter. Criteria: ACMG Guidelines, 2015. Collection method: not provided. Allele origin: germline. Inheritance: Autosomal recessive inheritance. Affected: yes.